The following is an entry in ClinVar:

ClinVar aggregate classification (germline): Uncertain significance (1 of 4 stars; one submission).

Submission:

GeneDx
Classification: Uncertain significance. Last evaluated: 2025-05-31. Review status: criteria provided, single submitter. Criteria: GeneDx Variant Classification Process June 2021. Collection method: clinical testing. Allele origin: germline. Affected: yes.
Comment: Not observed at significant frequency in large population cohorts (gnomAD); In silico analysis suggests that this missense variant does not alter protein structure/function; Has not been previously published as pathogenic or benign to our knowledge

NM_001365999.1(SZT2):c.3796A>C (p.Ile1266Leu)

Gene: SZT2 (SZT2 subunit of KICSTOR complex; plus strand). Cytogenetic location: 1p34.2.
Variant type: single nucleotide variant.
Coding change: c.3796A>C on transcript NM_001365999.1 (MANE Select); coding-DNA position 3796, A replaced by C.
Protein change: p.Ile1266Leu; replaces isoleucine 1266 with leucine.
Molecular consequence: missense variant.
Genome position (GRCh38, 1-based): chr1:43,427,727, A>C. VCF-style: chr1-43427727-A-C. GRCh37 (hg19) VCF-style: chr1-43893398-A-C.
Other names: c.3625A>C, p.Ile1209Leu (NM_015284.4); short protein forms I1209L, I1266L.
Identifiers: ClinVar variation 4532639 (VCV004532639.1).